The following is an entry in ClinVar:

ClinVar aggregate classification (germline): Likely pathogenic (1 of 4 stars; one submission).

Conditions:
Hereditary spastic paraplegia 5A (SPG5A). Also called: SPASTIC PARAPLEGIA 5A, AUTOSOMAL RECESSIVE. Identifiers: Orphanet 100986, MedGen C1849115, MONDO:0010047, OMIM 270800.

Submission:

Genetic Foundation of Khorasan Razavi (GFKR)
Classification: Likely pathogenic for Hereditary spastic paraplegia 5A. Last evaluated: 2024-10-23. Review status: criteria provided, single submitter. Criteria: ACMG Guidelines, 2015. Collection method: clinical testing. Allele origin: inherited. Affected: yes.
Comment: This variant is predicted to result in loss of function through a premature stop codon. Loss of function is a well-established disease mechanism for this gene. The variant is absent in population databases.

NM_004820.5(CYP7B1):c.361_364del (p.Lys121fs)

Gene: CYP7B1 (cytochrome P450 family 7 subfamily B member 1; minus strand). Cytogenetic location: 8q12.3.
Variant type: Deletion.
Coding change: c.361_364del on transcript NM_004820.5 (MANE Select); coding-DNA positions 361 to 364, 4 bases deleted (AAAG; older notation c.361_364delAAAG).
Protein change: p.Lys121fs; shifts the reading frame from lysine 121.
Molecular consequence: frameshift variant.
Genome position (GRCh38, 1-based): chr8:64,616,177-64,616,180, CTTT deleted on the plus strand (AAAG on the coding strand, the reverse complement: CYP7B1 is on the minus strand); deleting any 4 consecutive bases within chr8:64,616,177-64,616,182 gives the same sequence; the c. name uses the placement nearest the transcript's 3' end. VCF-style (leftmost placement, unchanged base first): chr8-64616176-GCTTT-G. GRCh37 (hg19) VCF-style: chr8-65528733-GCTTT-G.
Other names: c.361_364del, p.Lys121fs (NM_001324112.2); short protein forms K121fs.
Identifiers: ClinVar variation 4537493 (VCV004537493.1).